The following continues an entry in ClinVar:

NM_000059.4(BRCA2):c.8167G>C (p.Asp2723His)

Gene: BRCA2. ClinVar aggregate classification (germline): Pathogenic. Pathogenic (1).

Submissions 19 to 35 of 38:

GeneDx
Classification: Pathogenic. Last evaluated: 2023-02-28. Review status: criteria provided, single submitter. Criteria: GeneDx Variant Classification Process June 2021. Collection method: clinical testing. Allele origin: germline. Affected: yes. Not counted in ClinVar's aggregate classification.
Comment: Observed in individuals with personal and family history of BRCA-related cancers, segregating with disease in at least 10 families (Pages et al., 2001; Goldgar et al., 2004; Mitra et al., 2008; Solano et al., 2012; Song et al., 2014; Shimelis et al., 2017); Published functional studies demonstrate a damaging effect: aberrant cellular localization, inability to rescue cell growth, and defective homology-directed repair activity (Wu et al., 2005; Farrugia et al., 2008; Kuznetsov et al., 2008; Jeyasekharan et al., 2013; Guidugli et al., 2018; Hart et al., 2019); Multifactorial studies suggest this variant is associated with breast and ovarian cancer (Lindor et al., 2012); Not observed at significant frequency in large population cohorts (gnomAD); In silico analysis supports that this missense variant does not alter protein structure/function; Also known as 8395G>C; This variant is associated with the following publications: (PMID: 24728189, 15695382, 18451181, 18182994, 25447315, 23961350, 25085752, 11207042, 15026808, 29922827, 28888541, 21702907, 22505045, 24323938, 25146914, 25782689, 24013206, 15290653, 19043619, 23108138, 18607349, 16489001, 27225637, 20223037, 26775038, 28283652, 28324225, 26586665, 28008555, 27550963, 26681312, 28158555, 29394989, 29446198, 29988080, 30322717, 30309722, 31263054, 32444794, 30696104, 34399810, 33609447, 30787465, 28184943, 35736817, 35464868, 12228710, 29884841, 33964450, 21990134, 35665744)

Revvity Omics, Revvity
Classification: Pathogenic. Last evaluated: 2022-11-29. Review status: criteria provided, single submitter. Criteria: ACMG Guidelines, 2015. Collection method: clinical testing. Allele origin: germline. Not counted in ClinVar's aggregate classification.

CeGaT Center for Human Genetics Tuebingen
Classification: Pathogenic. Last evaluated: 2022-07-01. Review status: criteria provided, single submitter. Criteria: CeGaT Center For Human Genetics Tuebingen Variant Classification Criteria Version 2. Collection method: clinical testing. Allele origin: germline. Affected: yes. Observed: 1 variant allele. Not counted in ClinVar's aggregate classification.
Comment: BRCA2: PM1:Strong, PS3, PM2, PP1, PS4:Supporting, BP1

National Health Laboratory Service, Universitas Academic Hospital and University of the Free State
Classification: Pathogenic for Hereditary breast ovarian cancer syndrome. Last evaluated: 2021-11-16. Review status: criteria provided, single submitter. Criteria: ACMG Guidelines, 2015. Collection method: clinical testing. Allele origin: germline. Affected: yes. Observed: 1 variant allele. Not counted in ClinVar's aggregate classification.

Blueprint Genetics
Classification: Pathogenic for BRCA2-related disorders. Last evaluated: 2021-09-13. Review status: criteria provided, single submitter. Criteria: ACMG Guidelines, 2015. Collection method: clinical testing. Allele origin: germline. Affected: yes. Observed: 2 variant alleles. Not counted in ClinVar's aggregate classification.

Fulgent Genetics
Classification: Pathogenic for Familial cancer of breast; Medulloblastoma; Familial prostate cancer; Wilms tumor 1; Fanconi anemia complementation group D1; Breast-ovarian cancer, familial, susceptibility to, 2; Glioma susceptibility 3; Pancreatic cancer, susceptibility to, 2. Last evaluated: 2021-09-03. Review status: criteria provided, single submitter. Criteria: ACMG Guidelines, 2015. Collection method: clinical testing. Allele origin: unknown. Not counted in ClinVar's aggregate classification.

Laboratory for Molecular Medicine, Mass General Brigham Personalized Medicine
Classification: Pathogenic for Hereditary breast ovarian cancer syndrome. Last evaluated: 2020-06-12. Review status: criteria provided, single submitter. Criteria: LMM Criteria. Collection method: clinical testing. Allele origin: germline. Inheritance: Autosomal dominant inheritance. Observed: 2 variant alleles. Not counted in ClinVar's aggregate classification.
Comment: The p.Asp2723His variant in BRCA2 has been identified in >20 individuals with BRCA2-associated cancers and segregated with disease with multiple individuals from many families (Pages 2001 PMID: 11207042, Goldgar 2004 PMID: 15290653, Chenevix-Trench 2006 PMID: 16489001, Solano 2012 PMID: 23961350, Song 2014 PMID: 24728189). This variant was absent from large population studies. In vitro and in vivo functional studies support an impact on protein function (Chenevix-Trench 2006 PMID: 16489001, Wu 2005 PMID: 15695382, Farrugia 2008 PMID: 18451181, Kuznetsov 2008 PMID: 18607349, Jeyasekharan 2013 PMID: 24013206, Guidugli 2018 PMID: 29394989) and computational prediction tools and conservation analysis are consistent with pathogenicity. Moreover, this variant as well as another variant involving this codon (p.Asp2723Gly) have been classified as pathogenic on August 10, 2015 by the ClinGen-approved ENIGMA expert panel (SCV000244481.1). Multiple other variants involving this codon have also been identified in individuals with HBOC (ClinVar, HGMD: Stenson 2017). In summary, this variant meets criteria to be classified as pathogenic for autosomal dominant hereditary breast and ovarian cancer (HBOC). ACMG/AMP Criteria applied: PS4, PS3_Supporting, PP1_Moderate, PM2, PM5, PP3.

Women's Health and Genetics/Laboratory Corporation of America, LabCorp
Classification: Pathogenic for Hereditary breast ovarian cancer syndrome. Last evaluated: 2016-06-09. Review status: criteria provided, single submitter. Criteria: LabCorp Variant Classification Summary - May 2015. Collection method: clinical testing. Allele origin: germline. Not counted in ClinVar's aggregate classification.
Comment: Variant summary: The BRCA2 c.8167G>C (p.Asp2723His) variant involves the alteration of a conserved nucleotide. 5/5 in silico tools predict a damaging outcome for this variant. This variant was absent in 121762 control chromosomes. This variant is a recurrent pathogenic mutation reported in literature and clinical databases with consistent patient and functional data, including support from multifactorial probability model and reported co-segregation with disease. In addition, several clinical diagnostic laboratories/reputable databases classified this variant as pathogenic. Therefore, this variant is classified as Pathogenic.

Consortium of Investigators of Modifiers of BRCA1/2 (CIMBA), c/o University of Cambridge
Classification: Pathogenic for Breast-ovarian cancer, familial, susceptibility to, 2. Last evaluated: 2015-10-02. Review status: criteria provided, single submitter. Criteria: CIMBA Mutation Classification guidelines May 2016. Collection method: clinical testing. Allele origin: germline. Not counted in ClinVar's aggregate classification.

Clinical Genetics DNA and cytogenetics Diagnostics Lab, Erasmus MC, Erasmus Medical Center
Classification: Pathogenic for Breast-ovarian cancer, familial, susceptibility to, 2. Last evaluated: 2015-09-21. Review status: criteria provided, single submitter. Criteria: ACGS Guidelines, 2013. Collection method: clinical testing. Allele origin: germline. Affected: yes. Study: VKGL Data-share Consensus. Not counted in ClinVar's aggregate classification.

Genome Diagnostics Laboratory, University Medical Center Utrecht
Classification: Pathogenic for Breast-ovarian cancer, familial, susceptibility to, 2. Last evaluated: 2014-10-08. Review status: criteria provided, single submitter. Criteria: ACGS Guidelines, 2013. Collection method: clinical testing. Allele origin: germline. Affected: yes. Study: VKGL Data-share Consensus. Not counted in ClinVar's aggregate classification.

Institute for Biomarker Research, Medical Diagnostic Laboratories, L.L.C.
Classification: Pathogenic for Hereditary breast ovarian cancer syndrome. Last evaluated: 2021-09-27. Review status: no assertion criteria provided. Collection method: clinical testing. Allele origin: germline. Not counted in ClinVar's aggregate classification.

CZECANCA consortium
Classification: Pathogenic for Carcinoma of pancreas. Last evaluated: 2021-03-04. Review status: no assertion criteria provided. Collection method: case-control. Allele origin: germline. Affected: yes. Observed: 1 variant allele. Not counted in ClinVar's aggregate classification.

Counsyl
Classification: Pathogenic for Breast-ovarian cancer, familial, susceptibility to, 2. Last evaluated: 2016-11-11. Review status: no assertion criteria provided. Collection method: clinical testing. Allele origin: unknown. Not counted in ClinVar's aggregate classification.

Research Molecular Genetics Laboratory, Women's College Hospital, University of Toronto
Classification: Pathogenic for Hereditary breast ovarian cancer syndrome. Last evaluated: 2014-01-31. Review status: no assertion criteria provided. Collection method: research. Allele origin: germline. Affected: yes. Study: The Canadian Open Genetics Repository (COGR). Not counted in ClinVar's aggregate classification.

Sharing Clinical Reports Project (SCRP)
Classification: Pathogenic for Breast-ovarian cancer, familial 2. Last evaluated: 2012-05-01. Review status: no assertion criteria provided. Collection method: clinical testing. Allele origin: germline. Not counted in ClinVar's aggregate classification.

Breast Cancer Information Core (BIC) (BRCA2)
Classification: Uncertain significance for Breast-ovarian cancer, familial 2. Last evaluated: 2002-05-29. Review status: no assertion criteria provided. Collection method: clinical testing. Allele origin: germline. Affected: yes. Observed: 37 variant alleles. Not counted in ClinVar's aggregate classification.